The following is an entry in ClinVar:

ClinVar aggregate classification (germline): Uncertain significance (1 of 4 stars; one submission).

Conditions:
Charcot-Marie-Tooth disease type 2R. Also called: Charcot-Marie-Tooth disease, axonal, type 2R; CHARCOT-MARIE-TOOTH NEUROPATHY, TYPE 2R; CHARCOT-MARIE-TOOTH DISEASE, AXONAL, AUTOSOMAL RECESSIVE, TYPE 2R. Identifiers: Orphanet 397968, MedGen C3809655, MONDO:0014208, OMIM 615490.

Allele frequency attached by ClinVar (database versions not stated): gnomAD exomes below 0.00001; TOPMed 0.00001; ExAC 0.00002.
gnomAD v4.1: 4 of 1,614,200 alleles (0.00025%); highest among the groups gnomAD compares: Non-Finnish European, 0.00025%; no homozygotes.

Submission:

Labcorp Genetics (formerly Invitae), Labcorp
Classification: Uncertain significance for Charcot-Marie-Tooth disease type 2R. Last evaluated: 2022-11-24. Review status: criteria provided, single submitter. Criteria: Invitae Variant Classification Sherloc (09022015). Collection method: clinical testing. Allele origin: germline.
Comment: This sequence change replaces alanine, which is neutral and non-polar, with threonine, which is neutral and polar, at codon 76 of the TRIM2 protein (p.Ala76Thr). This variant is present in population databases (rs762582474, gnomAD 0.006%). This variant has not been reported in the literature in individuals affected with TRIM2-related conditions. Algorithms developed to predict the effect of missense changes on protein structure and function (SIFT, PolyPhen-2, Align-GVGD) all suggest that this variant is likely to be disruptive. In summary, the available evidence is currently insufficient to determine the role of this variant in disease. Therefore, it has been classified as a Variant of Uncertain Significance.

NM_015271.5(TRIM2):c.307G>A (p.Ala103Thr)

Gene: TRIM2 (tripartite motif containing 2; plus strand). Cytogenetic location: 4q31.3.
Variant type: single nucleotide variant.
Coding change: c.307G>A on transcript NM_015271.5 (MANE Select); coding-DNA position 307, G replaced by A.
Protein change: p.Ala103Thr; replaces alanine 103 with threonine.
Molecular consequence: missense variant. On other transcripts: 5 prime UTR variant (4).
Genome position (GRCh38, 1-based): chr4:153,275,984, G>A. VCF-style: chr4-153275984-G-A. GRCh37 (hg19) VCF-style: chr4-154197136-G-A.
Other names: c.226G>A, p.Ala76Thr (NM_001130067.2, NM_001375513.1, NM_001375514.1 and 5 more transcripts); c.307G>A, p.Ala103Thr (NM_001302692.2, NM_001375519.1, NM_001375488.1 and 1 more transcripts); c.304G>A, p.Ala102Thr (NM_001302693.2, NM_001375520.1, NM_001375489.1 and 1 more transcripts); c.-33G>A (NM_001375522.1, NM_001375523.1, NM_001375525.1); c.280G>A, p.Ala94Thr (NM_001302694.2, NM_001351054.2); c.277G>A, p.Ala93Thr (NM_001351055.2); c.-251G>A (NM_001351057.2); short protein forms A103T, A102T, A76T, A93T, A94T.
Identifiers: ClinVar variation 2734677 (VCV002734677.3), dbSNP rs762582474, ClinGen allele CA3108503.